The following is an entry in ClinVar:

ClinVar aggregate classification (germline): Pathogenic (1 of 4 stars; one submission).

Conditions:
Glycine encephalopathy. Also called: Nonketotic hyperglycinemia; Non-ketotic hyperglycinemia. Identifiers: Orphanet 407, MedGen C0751748, MONDO:0011612, HP:0008288.

Submission:

Labcorp Genetics (formerly Invitae), Labcorp
Classification: Pathogenic for Glycine encephalopathy. Last evaluated: 2020-06-22. Review status: criteria provided, single submitter. Criteria: Invitae Variant Classification Sherloc (09022015). Collection method: clinical testing. Allele origin: germline.
Comment: Loss-of-function variants in AMT are known to be pathogenic (PMID: 16450403). For these reasons, this variant has been classified as Pathogenic. This variant has not been reported in the literature in individuals with AMT-related conditions. This variant is not present in population databases (ExAC no frequency). This sequence change creates a premature translational stop signal (p.Phe204Leufs*73) in the AMT gene. It is expected to result in an absent or disrupted protein product.

Literature cited by the submitters: PubMed 16450403.

NM_000481.4(AMT):c.609dup (p.Phe204fs)

Gene: AMT (aminomethyltransferase; minus strand). Cytogenetic location: 3p21.31.
Variant type: Duplication.
Coding change: c.609dup on transcript NM_000481.4 (MANE Select); coding-DNA position 609, one base duplicated (C; older notation c.609dupC).
Protein change: p.Phe204fs; shifts the reading frame from phenylalanine 204.
Molecular consequence: frameshift variant. On other transcripts: non-coding transcript variant (1).
Genome position (GRCh38, 1-based): chr3:49,419,347, G duplicated on the plus strand (C on the coding strand, the reverse complement: AMT is on the minus strand); the first of 3 consecutive G bases (chr3:49,419,347-49,419,349); duplicating any one gives the same sequence. VCF-style (leftmost placement, unchanged base first): chr3-49419346-A-AG. GRCh37 (hg19) VCF-style: chr3-49456779-A-AG.
Other names: c.477dup, p.Phe160fs (NM_001164710.2); c.441dup, p.Phe148fs (NM_001164711.2); c.609dup, p.Phe204fs (NM_001164712.2); short protein forms F148fs, F160fs, F204fs.
Identifiers: ClinVar variation 1071928 (VCV001071928.5), dbSNP rs2107932226, ClinGen allele CA2499216906.